The following is an entry in ClinVar:

NM_001048174.2(MUTYH):c.100C>T (p.Pro34Ser)

Gene: MUTYH (mutY DNA glycosylase; minus strand). Cytogenetic location: 1p34.1.
Variant type: single nucleotide variant.
Coding change: c.100C>T on transcript NM_001048174.2 (MANE Select); coding-DNA position 100, C replaced by T.
Protein change: p.Pro34Ser; replaces proline 34 with serine.
Molecular consequence: missense variant. On other transcripts: 5 prime UTR variant (7), non-coding transcript variant (7).
Genome position (GRCh38, 1-based): chr1:45,334,406, G>A on the plus strand (C>T on the coding strand, the complement: MUTYH is on the minus strand). VCF-style: chr1-45334406-G-A. GRCh37 (hg19) VCF-style: chr1-45800078-G-A.
Other names: c.100C>T, p.Pro34Ser (NM_001407080.1, NM_001407081.1, NM_001407083.1 and 15 more transcripts); c.-108C>T (NM_001407082.1, NM_001350651.2); c.118C>T, p.Pro40Ser (NM_001407087.1); c.-113C>T (NM_001407091.1, NM_001293192.2, NM_001293196.2); c.142C>T, p.Pro48Ser (NM_012222.3, NM_001128425.2, NM_001293190.2 and 2 more transcripts); c.-172C>T (NM_001350650.2); c.-57C>T (NM_001407075.1); short protein forms P48S, P34S, P40S.
Identifiers: ClinVar variation 4113236 (VCV004113236.1).

ClinVar aggregate classification (germline): Uncertain significance (1 of 4 stars; one submission).

Conditions:
Hereditary cancer-predisposing syndrome. Also called: Tumor predisposition; Neoplastic Syndromes, Hereditary; Hereditary neoplastic syndrome; Hereditary Cancer Syndrome. Identifiers: Orphanet 140162, MedGen C0027672, MeSH D009386, MONDO:0015356.

Submission:

Ambry Genetics
Classification: Uncertain significance for Hereditary cancer-predisposing syndrome. Last evaluated: 2025-08-27. Review status: criteria provided, single submitter. Criteria: Ambry Variant Classification Scheme 2023. Collection method: clinical testing. Allele origin: germline.
Comment: The p.P48S variant (also known as c.142C>T), located in coding exon 2 of the MUTYH gene, results from a C to T substitution at nucleotide position 142. The proline at codon 48 is replaced by serine, an amino acid with similar properties. This amino acid position is conserved. In addition, this alteration is predicted to be tolerated by in silico analysis. Based on the available evidence, the clinical significance of this variant remains unclear.